The following is an entry in ClinVar:

ClinVar aggregate classification (germline): Likely pathogenic (1 of 4 stars; one submission).

Conditions:
X-linked Alport syndrome (ATS1). Also called: COL4A5-Related Nephropathy; NEPHROPATHY AND DEAFNESS, X-LINKED. Identifiers: Orphanet 63, Orphanet 88917, MedGen C4746986, MONDO:0010520, OMIM 301050.

Submission:

Centre for Mendelian Genomics, University Medical Centre Ljubljana
Classification: Likely pathogenic for X-linked Alport syndrome. Last evaluated: 2016-01-01. Review status: criteria provided, single submitter. Criteria: ACMG Guidelines, 2015. Collection method: clinical testing. Allele origin: unknown. Affected: yes.
Comment: This variant was classified as: Likely pathogenic. The following ACMG criteria were applied in classifying this variant: PM1,PM2,PP2,PP3. This variant was detected in hemizygous state.

NM_033380.3(COL4A5):c.1997G>A (p.Gly666Asp)

Gene: COL4A5 (collagen type IV alpha 5 chain; plus strand). Cytogenetic location: Xq22.3.
Variant type: single nucleotide variant.
Coding change: c.1997G>A on transcript NM_033380.3 (MANE Select); coding-DNA position 1997, G replaced by A.
Protein change: p.Gly666Asp; replaces glycine 666 with aspartic acid.
Molecular consequence: missense variant.
Genome position (GRCh38, 1-based): chrX:108,601,441, G>A. VCF-style: chrX-108601441-G-A. GRCh37 (hg19) VCF-style: chrX-107844671-G-A.
Other names: c.1997G>A, p.Gly666Asp (NM_000495.5); short protein forms G666D.
Identifiers: ClinVar variation 24470 (VCV000024470.6), dbSNP rs104886153, ClinGen allele CA258586.